The following is an entry in ClinVar:

NM_002485.5(NBN):c.1204A>G (p.Thr402Ala)

Gene: NBN (nibrin; minus strand). Cytogenetic location: 8q21.3.
Variant type: single nucleotide variant.
Coding change: c.1204A>G on transcript NM_002485.5 (MANE Select); coding-DNA position 1204, A replaced by G.
Protein change: p.Thr402Ala; replaces threonine 402 with alanine.
Molecular consequence: missense variant.
Genome position (GRCh38, 1-based): chr8:89,955,476, T>C on the plus strand (A>G on the coding strand, the complement: NBN is on the minus strand). VCF-style: chr8-89955476-T-C. GRCh37 (hg19) VCF-style: chr8-90967704-T-C.
Other names: c.958A>G, p.Thr320Ala (NM_001024688.3); short protein forms T402A, T320A.
Identifiers: ClinVar variation 187410 (VCV000187410.15), dbSNP rs201373377, ClinGen allele CA197574.

ClinVar aggregate classification (germline): Conflicting classifications of pathogenicity. Review status: criteria provided, conflicting classifications (1 of 4 stars). 3 submissions from 3 submitters: Uncertain significance (2); Likely benign (1). Last evaluated 2024-05-31.

Conditions:
Hereditary cancer-predisposing syndrome. Also called: Hereditary Cancer Syndrome; Neoplastic Syndromes, Hereditary; Tumor predisposition; Hereditary neoplastic syndrome. Identifiers: Orphanet 140162, MedGen C0027672, MeSH D009386, MONDO:0015356.
Microcephaly, normal intelligence and immunodeficiency (NBS). Also called: IMMUNODEFICIENCY, MICROCEPHALY, AND CHROMOSOMAL INSTABILITY; SEEMANOVA SYNDROME II; Immunodeficiency, microcephaly with normal intelligence; Ataxia telangiectasia variant V1; Nijmegen breakage syndrome; Microcephaly with normal intelligence immunodeficiency and lymphoreticular malignancies. Identifiers: Orphanet 647, MedGen C0398791, MONDO:0009623, OMIM 251260.

Allele frequency attached by ClinVar (database versions not stated): gnomAD 0.00001; gnomAD exomes 0.00001 and 0.00002; ExAC 0.00003; 1000 Genomes Project 30x 0.00016; 1000 Genomes Project 0.00020.
gnomAD v4.1: 9 of 1,613,662 alleles (0.00056%); highest among the groups gnomAD compares: East Asian, 0.02%; no homozygotes.

Submissions (3):

Labcorp Genetics (formerly Invitae), Labcorp
Classification: Uncertain significance for Microcephaly, normal intelligence and immunodeficiency. Last evaluated: 2024-05-31. Review status: criteria provided, single submitter. Criteria: Invitae Variant Classification Sherloc (09022015). Collection method: clinical testing. Allele origin: germline.
Comment: This sequence change replaces threonine, which is neutral and polar, with alanine, which is neutral and non-polar, at codon 402 of the NBN protein (p.Thr402Ala). This variant is present in population databases (rs201373377, gnomAD 0.02%). This missense change has been observed in individual(s) with NBN-related cancer (PMID: 36346689). ClinVar contains an entry for this variant (Variation ID: 187410). Algorithms developed to predict the effect of missense changes on protein structure and function output the following: SIFT: "Not Available"; PolyPhen-2: "Benign"; Align-GVGD: "Not Available". The alanine amino acid residue is found in multiple mammalian species, which suggests that this missense change does not adversely affect protein function. In summary, the available evidence is currently insufficient to determine the role of this variant in disease. Therefore, it has been classified as a Variant of Uncertain Significance.

Ambry Genetics
Classification: Likely benign for Hereditary cancer-predisposing syndrome. Last evaluated: 2022-10-26. Review status: criteria provided, single submitter. Criteria: Ambry Variant Classification Scheme 2023. Collection method: clinical testing. Allele origin: germline.

Genome-Nilou Lab
Classification: Uncertain significance for Microcephaly, normal intelligence and immunodeficiency. Last evaluated: 2021-11-07. Review status: criteria provided, single submitter. Criteria: ACMG Guidelines, 2015. Collection method: clinical testing. Allele origin: germline. Affected: no.

Literature cited by the submitters: PubMed 36346689 (cited by Labcorp Genetics (formerly Invitae), Labcorp).